The following is an entry in ClinVar:

ClinVar aggregate classification (germline): Uncertain significance (1 of 4 stars; one submission).

Conditions:
CYP2R1-related disorder. Also called: CYP2R1-related condition.

gnomAD v4.1: 64 of 1,597,678 alleles (0.004%); highest among the groups gnomAD compares: Non-Finnish European, 0.0054%; no homozygotes.

Submission:

PreventionGenetics, part of Exact Sciences
Classification: Uncertain significance for CYP2R1-related condition. Last evaluated: 2025-09-15. Review status: criteria provided, single submitter. Criteria: ACMG Guidelines, 2015. Collection method: clinical testing. Allele origin: germline.
Comment: The CYP2R1 c.427A>G variant is predicted to result in the amino acid substitution p.Ser143Gly. To our knowledge, this variant has not been reported in the literature. This variant is reported in 0.0072% of alleles in individuals of European (Non-Finnish) descent in gnomAD. At this time, the clinical significance of this variant is uncertain due to the absence of conclusive functional and genetic evidence.

NM_024514.5(CYP2R1):c.427A>G (p.Ser143Gly)

Genes: CYP2R1 (cytochrome P450 family 2 subfamily R member 1; minus strand), PDE3B (phosphodiesterase 3B; plus strand). Cytogenetic location: 11p15.2.
Variant type: single nucleotide variant.
Coding change: c.427A>G on transcript NM_024514.5 (MANE Select); coding-DNA position 427, A replaced by G.
Protein change: p.Ser143Gly; replaces serine 143 with glycine.
Molecular consequence: missense variant. On other transcripts: non-coding transcript variant (6), intron variant (7).
Genome position (GRCh38, 1-based): chr11:14,880,709, T>C on the plus strand (A>G on the coding strand, the complement: CYP2R1 is on the minus strand). VCF-style: chr11-14880709-T-C. GRCh37 (hg19) VCF-style: chr11-14902255-T-C.
Other names: c.82A>G, p.Ser28Gly (NM_001377214.1, NM_001377215.1, NM_001377216.1 and 5 more transcripts); c.265A>G, p.Ser89Gly (NM_001377217.1); c.283A>G, p.Ser95Gly (NM_001400567.1); c.382A>G, p.Ser128Gly (NM_001400568.1); c.2887-18236T>C (NM_001429700.1); c.2887-18247T>C (NM_001429699.1); c.23-1266A>G (NM_001400566.1); c.78-350A>G (NM_001400562.1, NM_001400564.1, NM_001400565.1 and 1 more transcripts); short protein forms S95G, S28G, S128G, S89G, S143G.
Identifiers: ClinVar variation 4979196 (VCV004979196.1).